The following is an entry in ClinVar:

NM_001139.3(ALOX12B):c.1693del (p.Arg565fs)

Gene: ALOX12B (arachidonate 12-lipoxygenase, 12R type; minus strand). Cytogenetic location: 17p13.1.
Variant type: Deletion.
Coding change: c.1693del on transcript NM_001139.3 (MANE Select); coding-DNA position 1693, one base deleted (C; older notation c.1693delC).
Protein change: p.Arg565fs; shifts the reading frame from arginine 565.
Molecular consequence: frameshift variant.
Genome position (GRCh38, 1-based): chr17:8,073,719, G deleted on the plus strand (C on the coding strand, the reverse complement: ALOX12B is on the minus strand); the first of 2 consecutive G bases (chr17:8,073,719-8,073,720); deleting either gives the same sequence. VCF-style (leftmost placement, unchanged base first): chr17-8073718-CG-C. GRCh37 (hg19) VCF-style: chr17-7977036-CG-C.
Other names: short protein forms R565fs.
Identifiers: ClinVar variation 2832883 (VCV002832883.3), dbSNP rs757224692, ClinGen allele CA8367210.
Genomic context (GRCh38, chr17:8,073,718, plus strand): 5'-TGGCCTGTGTTGACAGCAGCGTGCTTGGCAGAGCAGGTGTAGATGACTATAGTGACATAT[CG>C]GATCAGCTCAGGCACGGTTCGCAAGCACCTAGGGAAGCCTGACCGGCGGGGGAAAAGCCC-3'

ClinVar aggregate classification (germline): Pathogenic (1 of 4 stars; one submission).

Submission:

Labcorp Genetics (formerly Invitae), Labcorp
Classification: Pathogenic. Last evaluated: 2023-02-15. Review status: criteria provided, single submitter. Criteria: Invitae Variant Classification Sherloc (09022015). Collection method: clinical testing. Allele origin: germline.
Comment: This sequence change creates a premature translational stop signal (p.Arg565Aspfs*5) in the ALOX12B gene. It is expected to result in an absent or disrupted protein product. Loss-of-function variants in ALOX12B are known to be pathogenic (PMID: 16116617, 23621129, 31046801). This variant is present in population databases (rs757224692, gnomAD 0.007%). This variant has not been reported in the literature in individuals affected with ALOX12B-related conditions. Algorithms developed to predict the effect of sequence changes on RNA splicing suggest that this variant may disrupt the consensus splice site. For these reasons, this variant has been classified as Pathogenic.

Literature cited by the submitters: PubMed 16116617; PubMed 23621129; PubMed 31046801.